The following is an entry in ClinVar:

NM_007194.4(CHEK2):c.547T>A (p.Leu183Met)

Gene: CHEK2 (checkpoint kinase 2; minus strand). Cytogenetic location: 22q12.1.
Variant type: single nucleotide variant.
Coding change: c.547T>A on transcript NM_007194.4 (MANE Select); coding-DNA position 547, T replaced by A.
Protein change: p.Leu183Met; replaces leucine 183 with methionine.
Molecular consequence: missense variant. On other transcripts: intron variant (1), 5 prime UTR variant (2).
Genome position (GRCh38, 1-based): chr22:28,725,022, A>T on the plus strand (T>A on the coding strand, the complement: CHEK2 is on the minus strand). VCF-style: chr22-28725022-A-T. GRCh37 (hg19) VCF-style: chr22-29121010-A-T.
Other names: c.445-99T>A (NM_001349956.3); c.676T>A, p.Leu226Met (NM_001005735.3, NM_001438294.1); c.-231T>A (NM_001257387.3); c.-117T>A (NM_001437942.1); c.640T>A, p.Leu214Met (NM_001438293.1, NM_001438295.1); c.547T>A, p.Leu183Met (NM_145862.3); short protein forms L183M, L226M, L214M.
Identifiers: ClinVar variation 4002266 (VCV004002266.1).
Genomic context (GRCh38, chr22:28,725,022, plus strand): 5'-AGATAATAATATTACCTTTATTTCTGCTTAGTGACAGTGCAATTTCAGAATTGTTATTCA[A>T]AGGACGGCGTTTTCCTTTCCCTACAAGCTCTGTATTTACAAAGGTTCCATTGCCACTGTG-3'
Protein context (NP_009125.1, residues 173-193): ELVGKGKRRP[Leu183Met]NNNSEIALSL

ClinVar aggregate classification (germline): Uncertain significance (1 of 4 stars; one submission).

Conditions:
Hereditary cancer-predisposing syndrome. Also called: Tumor predisposition; Hereditary neoplastic syndrome; Neoplastic Syndromes, Hereditary; Hereditary Cancer Syndrome. Identifiers: Orphanet 140162, MedGen C0027672, MeSH D009386, MONDO:0015356.

Submission:

Ambry Genetics
Classification: Uncertain significance for Hereditary cancer-predisposing syndrome. Last evaluated: 2025-05-06. Review status: criteria provided, single submitter. Criteria: Ambry Variant Classification Scheme 2023. Collection method: clinical testing. Allele origin: germline.
Comment: The p.L183M variant (also known as c.547T>A), located in coding exon 3 of the CHEK2 gene, results from a T to A substitution at nucleotide position 547. The leucine at codon 183 is replaced by methionine, an amino acid with highly similar properties. This amino acid position is conserved. In addition, the in silico prediction for this alteration is inconclusive. Based on the available evidence, the clinical significance of this variant remains unclear.